The following is an entry in ClinVar:

ClinVar aggregate classification (germline): Benign/Likely benign. Review status: criteria provided, multiple submitters, no conflicts (2 of 4 stars). 3 submissions from 3 submitters: Benign (1); Likely benign (2). Last evaluated 2026-07-09.

Conditions:
Hereditary cancer-predisposing syndrome. Also called: Neoplastic Syndromes, Hereditary; Tumor predisposition; Hereditary Cancer Syndrome; Hereditary neoplastic syndrome. Identifiers: Orphanet 140162, MedGen C0027672, MeSH D009386, MONDO:0015356.
Rhabdoid tumor predisposition syndrome 2 (RTPS2). Identifiers: Orphanet 231108, Orphanet 69077, MedGen C2750074, MONDO:0013224, OMIM 613325.

Allele frequency attached by ClinVar (database versions not stated): gnomAD exomes below 0.00001.
gnomAD v4.1: 1 of 1,613,698 alleles (0.000062%); highest among the groups gnomAD compares: Non-Finnish European, 0.000085%; no homozygotes.

Submissions (3):

Myriad Genetics, Inc.
Classification: Benign for Rhabdoid tumor predisposition syndrome 2. Last evaluated: 2026-07-09. Review status: criteria provided, single submitter. Criteria: Myriad Autosomal Dominant, Autosomal Recessive and X-Linked Classification Criteria (2023). Collection method: clinical testing. Allele origin: unknown.
Comment: This variant is considered benign. This variant is a silent/synonymous amino acid change and it is not expected to impact splicing.

Labcorp Genetics (formerly Invitae), Labcorp
Classification: Likely benign for Rhabdoid tumor predisposition syndrome 2. Last evaluated: 2025-08-26. Review status: criteria provided, single submitter. Criteria: Invitae Variant Classification Sherloc (09022015). Collection method: clinical testing. Allele origin: germline.

Ambry Genetics
Classification: Likely benign for Hereditary cancer-predisposing syndrome. Last evaluated: 2021-11-30. Review status: criteria provided, single submitter. Criteria: Ambry Variant Classification Scheme 2023. Collection method: clinical testing. Allele origin: germline.

NM_003072.5(SMARCA4):c.483C>T (p.Ala161=)

Gene: SMARCA4 (SWI/SNF related BAF chromatin remodeling complex subunit ATPase 4; plus strand). Cytogenetic location: 19p13.2.
Variant type: single nucleotide variant.
Coding change: c.483C>T on transcript NM_003072.5 (MANE Select); coding-DNA position 483, C replaced by T.
Protein change: p.Ala161=; no amino-acid change (alanine 161 retained).
Molecular consequence: synonymous variant. On other transcripts: non-coding transcript variant (1).
Genome position (GRCh38, 1-based): chr19:10,986,316, C>T. VCF-style: chr19-10986316-C-T. GRCh37 (hg19) VCF-style: chr19-11096992-C-T.
Other names: c.483C>T, p.Ala161= (NM_001128844.3, NM_001128845.2, NM_001128846.2 and 5 more transcripts).
Identifiers: ClinVar variation 1583960 (VCV001583960.11), dbSNP rs1555753188, ClinGen allele CA505743882.
Genomic context (GRCh38, chr19:10,986,316, plus strand): 5'-GGGGCCCCAGATGTCTTCCGGGCCAGGAGGTGCCCCGCTGGATGGTGCTGACCCCCAGGC[C>T]TTGGGGCAGCAGAACCGGGGCCCAACCCCATTTAACCAGAACCAGCTGCACCAGCTCAGA-3'
Protein context (NP_003063.2, residues 151-171): GAPLDGADPQ[Ala161=]LGQQNRGPTP